The following is an entry in ClinVar:

NM_004589.4(SCO1):c.386G>A (p.Arg129Gln)

Gene: SCO1 (synthesis of cytochrome C oxidase 1; minus strand). Cytogenetic location: 17p13.1.
Variant type: single nucleotide variant.
Coding change: c.386G>A on transcript NM_004589.4 (MANE Select); coding-DNA position 386, G replaced by A.
Protein change: p.Arg129Gln; replaces arginine 129 with glutamine.
Molecular consequence: missense variant.
Genome position (GRCh38, 1-based): chr17:10,692,940, C>T on the plus strand (G>A on the coding strand, the complement: SCO1 is on the minus strand). VCF-style: chr17-10692940-C-T. GRCh37 (hg19) VCF-style: chr17-10596257-C-T.
Other names: short protein forms R129Q.
Identifiers: ClinVar variation 2446699 (VCV002446699.2), dbSNP rs541118726, ClinGen allele CA8393606.
Genomic context (GRCh38, chr17:10,692,940, plus strand): 5'-CGCTCCCCAGTATGAGTTGTGAGGGAAAACGGTCCCCCAAGTAAAGGCTTGCCGATGTGT[C>T]GCTGCCGTTCCTTCTCTAACTCTTAAGGAGACAAAAACATATCGACACCAAAAAAAAAGT-3'
Protein context (NP_004580.1, residues 119-139): KAEKLEKERQ[Arg129Gln]HIGKPLLGGP

ClinVar aggregate classification (germline): Uncertain significance. Review status: criteria provided, multiple submitters, no conflicts (2 of 4 stars). 2 submissions from 2 submitters: Uncertain significance (2). Last evaluated 2024-06-17.

Conditions:
Mitochondrial complex IV deficiency, nuclear type 4. Also called: Mitochondrial complex 4 deficiency, nuclear type 4. Identifiers: MedGen C5436683, MONDO:0033636, OMIM 619048.

Allele frequency attached by ClinVar (database versions not stated): ExAC 0.00001; gnomAD 0.00001; gnomAD exomes 0.00002; 1000 Genomes Project 30x 0.00016; 1000 Genomes Project 0.00020.

Submissions (2):

Fulgent Genetics
Classification: Uncertain significance for Mitochondrial complex IV deficiency, nuclear type 4. Last evaluated: 2024-06-17. Review status: criteria provided, single submitter. Criteria: ACMG Guidelines, 2015. Collection method: clinical testing. Allele origin: germline.

GeneDx
Classification: Uncertain significance. Last evaluated: 2022-09-28. Review status: criteria provided, single submitter. Criteria: GeneDx Variant Classification Process June 2021. Collection method: clinical testing. Allele origin: germline. Affected: yes.
Comment: Not observed at significant frequency in large population cohorts (gnomAD); In silico analysis supports that this missense variant has a deleterious effect on protein structure/function; Has not been previously published as pathogenic or benign to our knowledge